The following is an entry in ClinVar:

NM_000548.5(TSC2):c.2353C>T (p.Gln785Ter)

Gene: TSC2 (TSC complex subunit 2; plus strand). Cytogenetic location: 16p13.3.
Variant type: single nucleotide variant.
Coding change: c.2353C>T on transcript NM_000548.5 (MANE Select); coding-DNA position 2353, C replaced by T.
Protein change: p.Gln785Ter; replaces glutamine 785 with a stop codon.
Molecular consequence: nonsense.
Genome position (GRCh38, 1-based): chr16:2,072,981, C>T. VCF-style: chr16-2072981-C-T. GRCh37 (hg19) VCF-style: chr16-2122982-C-T.
Other names: c.2353C>T, p.Gln785Ter (NM_001077183.3, NM_001114382.3, NM_001363528.2 and 3 more transcripts); c.2242C>T, p.Gln748Ter (NM_001318827.2); c.2206C>T, p.Gln736Ter (NM_001318829.2); c.1753C>T, p.Gln585Ter (NM_001318831.2); c.2386C>T, p.Gln796Ter (NM_001318832.2); short protein forms Q785*, Q748*, Q796*, Q585*, Q736*.
Identifiers: ClinVar variation 50143 (VCV000050143.8), dbSNP rs45517226, ClinGen allele CA017226.

ClinVar aggregate classification (germline): Pathogenic. Review status: criteria provided, multiple submitters, no conflicts (2 of 4 stars). 6 submissions from 6 submitters: Pathogenic (5). 1 of the submissions does not count toward it. Last evaluated 2025-05-08.

Conditions:
TSC2-related disorder. Also called: TSC2-Related Disorders; TSC2-related condition.
Tuberous sclerosis syndrome (TSC). Also called: Tuberous Sclerosis Complex; Tuberous sclerosis. Identifiers: Orphanet 805, MedGen C0041341, MONDO:0001734.
Tuberous sclerosis 2 (TSC2). Identifiers: Orphanet 805, MedGen C1860707, MONDO:0013199, OMIM 613254.

Submissions (6):

Molecular Pathology, Peter Maccallum Cancer Centre
Classification: Pathogenic for Tuberous sclerosis 2. Last evaluated: 2025-05-08. Review status: criteria provided, single submitter. Criteria: ACMG Guidelines, 2015. Collection method: clinical testing. Allele origin: germline. Inheritance: Autosomal dominant inheritance.

Labcorp Genetics (formerly Invitae), Labcorp
Classification: Pathogenic for Tuberous sclerosis 2. Last evaluated: 2023-12-19. Review status: criteria provided, single submitter. Criteria: Invitae Variant Classification Sherloc (09022015). Collection method: clinical testing. Allele origin: germline.
Comment: This sequence change creates a premature translational stop signal (p.Gln785*) in the TSC2 gene. It is expected to result in an absent or disrupted protein product. Loss-of-function variants in TSC2 are known to be pathogenic (PMID: 10205261, 17304050). This variant is not present in population databases (gnomAD no frequency). This premature translational stop signal has been observed in individual(s) with tuberous sclerosis (PMID: 16554133). ClinVar contains an entry for this variant (Variation ID: 50143). Algorithms developed to predict the effect of sequence changes on RNA splicing suggest that this variant may disrupt the consensus splice site. For these reasons, this variant has been classified as Pathogenic.

Athena Diagnostics
Classification: Pathogenic. Last evaluated: 2023-08-11. Review status: criteria provided, single submitter. Criteria: Athena Diagnostics Criteria. Collection method: clinical testing. Allele origin: unknown.
Comment: This variant is expected to result in the loss of a functional protein. This variant has been identified in at least one individual, including a de novo case, with clinical features associated with this gene. This variant has not been reported in large, multi-ethnic general populations.

Blueprint Genetics
Classification: Pathogenic for TSC2-related disorders. Last evaluated: 2023-07-17. Review status: criteria provided, single submitter. Criteria: ACMG Guidelines, 2015. Collection method: clinical testing. Allele origin: germline. Affected: yes. Observed: 1 variant allele.

GeneDx
Classification: Pathogenic. Last evaluated: 2018-11-28. Review status: criteria provided, single submitter. Criteria: GeneDx Variant Classification (06012015). Collection method: clinical testing. Allele origin: germline. Affected: yes.
Comment: The Q785X nonsense variant in the TSC2 gene has been reported previously in an individual with a clinical diagnosis of tuberous sclerosis complex (Choi et al., 2006). This pathogenic variant is predicted to cause loss of normal protein function either through protein truncation or nonsense-mediated mRNA decay. The Q785X variant is not observed in large population cohorts (Lek et al., 2016). Therefore, the Q785X variant is considered a pathogenic variant.

Tuberous sclerosis database (TSC2)
No classification provided. Condition: TSC. Review status: no classification provided. Criteria: Tuberous Sclerosis Database Assertion Criteria 2015. Collection method: curation. Allele origin: germline. Affected: yes. Not counted in ClinVar's aggregate classification.

Literature cited by the submitters: PubMed 10205261 (cited by Labcorp Genetics (formerly Invitae), Labcorp); PubMed 17304050 (cited by Labcorp Genetics (formerly Invitae), Labcorp); PubMed 16554133 (cited by Labcorp Genetics (formerly Invitae), Labcorp and Athena Diagnostics); PubMed 34145886 (cited by Athena Diagnostics); PubMed 29432982 (cited by Athena Diagnostics); PubMed 27406250 (cited by Athena Diagnostics); PubMed 33051600 (cited by Athena Diagnostics); PubMed 32461694 (cited by Athena Diagnostics); PubMed 29221145 (cited by Athena Diagnostics).